The following is an entry in ClinVar:

ClinVar aggregate classification (germline): Conflicting classifications of pathogenicity. Review status: criteria provided, conflicting classifications (1 of 4 stars). 4 submissions from 4 submitters: Uncertain significance (1); Benign (1); Likely benign (2). Last evaluated 2025-12-16.

Conditions:
Inborn genetic diseases. Identifiers: MedGen C0950123, MeSH D030342.
Focal segmental glomerulosclerosis 5 (FSGS5). Identifiers: Orphanet 656, MedGen C2750475, MONDO:0013191, OMIM 613237.
Charcot-Marie-Tooth disease dominant intermediate E. Also called: CHARCOT-MARIE-TOOTH NEUROPATHY WITH FOCAL SEGMENTAL GLOMERULONEPHRITIS. Identifiers: Orphanet 93114, MedGen C4302667, MONDO:0013758, OMIM 614455.

Allele frequency attached by ClinVar (database versions not stated): gnomAD exomes 0.00002 and 0.00009; gnomAD 0.00003; TOPMed 0.00004; ExAC 0.00011.
gnomAD v4.1: 35 of 1,612,166 alleles (0.0022%); highest among the groups gnomAD compares: Admixed American, 0.042%; no homozygotes.

Submissions (4):

Labcorp Genetics (formerly Invitae), Labcorp
Classification: Benign for Charcot-Marie-Tooth disease dominant intermediate E; Focal segmental glomerulosclerosis 5. Last evaluated: 2025-12-16. Review status: criteria provided, single submitter. Criteria: Invitae Variant Classification Sherloc (09022015). Collection method: clinical testing. Allele origin: germline.

Mayo Clinic Laboratories, Mayo Clinic
Classification: Likely benign. Last evaluated: 2025-09-26. Review status: criteria provided, single submitter. Criteria: ACMG Guidelines, 2015. Collection method: clinical testing. Allele origin: germline. Observed: 1 variant allele.
Comment: BS2, BP4

Fulgent Genetics
Classification: Uncertain significance for Focal segmental glomerulosclerosis 5; Charcot-Marie-Tooth disease dominant intermediate E. Last evaluated: 2022-03-07. Review status: criteria provided, single submitter. Criteria: ACMG Guidelines, 2015. Collection method: clinical testing. Allele origin: unknown.

Ambry Genetics
Classification: Likely benign for Inborn genetic diseases. Last evaluated: 2021-07-09. Review status: criteria provided, single submitter. Criteria: Ambry Variant Classification Scheme 2023. Collection method: clinical testing. Allele origin: germline.

NM_022489.4(INF2):c.2992G>A (p.Gly998Arg)

Gene: INF2 (inverted formin 2; plus strand). Cytogenetic location: 14q32.33.
Variant type: single nucleotide variant.
Coding change: c.2992G>A on transcript NM_022489.4 (MANE Select); coding-DNA position 2992, G replaced by A.
Protein change: p.Gly998Arg; replaces glycine 998 with arginine.
Molecular consequence: missense variant.
Genome position (GRCh38, 1-based): chr14:104,713,558, G>A. VCF-style: chr14-104713558-G-A. GRCh37 (hg19) VCF-style: chr14-105179895-G-A.
Other names: p.Gly998Arg; c.2992G>A, p.Gly998Arg (NM_001031714.4); short protein forms G998R.
Identifiers: ClinVar variation 665603 (VCV000665603.14), dbSNP rs747569209, ClinGen allele CA7373146.
Genomic context (GRCh38, chr14:104,713,558, plus strand): 5'-GCTGACATCAGGAAGGGCTTCCAGCTGCGGAAGACAGCCCGGGGCCGCGGGGACACCGAC[G>A]GGGGCAGCAAGGCAGCCTCCATGGATCCCCCAAGAGCCACAGAGCCTGGTAAGACCCTCT-3'
Protein context (NP_071934.3, residues 988-1008): KTARGRGDTD[Gly998Arg]GSKAASMDPP